The following is an entry in ClinVar:

NM_002350.4(LYN):c.285-3T>C

Gene: LYN (LYN proto-oncogene, Src family tyrosine kinase; plus strand). Cytogenetic location: 8q12.1.
Variant type: single nucleotide variant.
Coding change: c.285-3T>C on transcript NM_002350.4 (MANE Select); 3 bases into the intron before coding-DNA position 285, T replaced by C.
Molecular consequence: intron variant.
Genome position (GRCh38, 1-based): chr8:55,950,456, T>C. VCF-style: chr8-55950456-T-C. GRCh37 (hg19) VCF-style: chr8-56863015-T-C.
Other names: c.222-3T>C (NM_001111097.3).
Identifiers: ClinVar variation 1939910 (VCV001939910.5), dbSNP rs772624538, ClinGen allele CA4753989.

ClinVar aggregate classification (germline): Uncertain significance (1 of 4 stars; one submission).

Allele frequency attached by ClinVar (database versions not stated): ExAC 0.00001; gnomAD exomes 0.00001.
gnomAD v4.1: 8 of 1,602,742 alleles (0.0005%); highest among the groups gnomAD compares: Non-Finnish European, 0.0006%; no homozygotes.

Submission:

Labcorp Genetics (formerly Invitae), Labcorp
Classification: Uncertain significance. Last evaluated: 2026-01-14. Review status: criteria provided, single submitter. Criteria: Invitae Variant Classification Sherloc (09022015). Collection method: clinical testing. Allele origin: germline.
Comment: This sequence change falls in intron 4 of the LYN gene. It does not directly change the encoded amino acid sequence of the LYN protein. It affects a nucleotide within the consensus splice site. This variant is present in population databases (rs772624538, gnomAD 0.0009%). This variant has not been reported in the literature in individuals affected with LYN-related conditions. ClinVar contains an entry for this variant (Variation ID: 1939910). Variants that disrupt the consensus splice site are a relatively common cause of aberrant splicing (PMID: 17576681, 9536098). Algorithms developed to predict the effect of sequence changes on RNA splicing suggest that this variant is not likely to affect RNA splicing. In summary, the available evidence is currently insufficient to determine the role of this variant in disease. Therefore, it has been classified as a Variant of Uncertain Significance.

Literature cited by the submitters: PubMed 17576681; PubMed 9536098.